The following is an entry in ClinVar:

ClinVar aggregate classification (germline): Uncertain significance (1 of 4 stars; one submission).

Submission:

Labcorp Genetics (formerly Invitae), Labcorp
Classification: Uncertain significance. Last evaluated: 2022-01-01. Review status: criteria provided, single submitter. Criteria: Invitae Variant Classification Sherloc (09022015). Collection method: clinical testing. Allele origin: germline.
Comment: This sequence change replaces proline, which is neutral and non-polar, with serine, which is neutral and polar, at codon 410 of the GPAA1 protein (p.Pro410Ser). This variant is not present in population databases (gnomAD no frequency). This variant has not been reported in the literature in individuals affected with GPAA1-related conditions. Algorithms developed to predict the effect of missense changes on protein structure and function output the following: SIFT: "Tolerated"; PolyPhen-2: "Benign"; Align-GVGD: "Class C0". The serine amino acid residue is found in multiple mammalian species, which suggests that this missense change does not adversely affect protein function. In summary, the available evidence is currently insufficient to determine the role of this variant in disease. Therefore, it has been classified as a Variant of Uncertain Significance.

NM_003801.4(GPAA1):c.1228C>T (p.Pro410Ser)

Gene: GPAA1 (glycosylphosphatidylinositol anchor attachment 1; plus strand). Cytogenetic location: 8q24.3.
Variant type: single nucleotide variant.
Coding change: c.1228C>T on transcript NM_003801.4 (MANE Select); coding-DNA position 1228, C replaced by T.
Protein change: p.Pro410Ser; replaces proline 410 with serine.
Molecular consequence: missense variant.
Genome position (GRCh38, 1-based): chr8:144,085,106, C>T. VCF-style: chr8-144085106-C-T. GRCh37 (hg19) VCF-style: chr8-145140009-C-T.
Other names: short protein forms P410S.
Identifiers: ClinVar variation 2069448 (VCV002069448.1), dbSNP rs2537317307, ClinGen allele CA372502703.